The following is an entry in ClinVar:

NM_033031.3(CCNB3):c.744G>A (p.Ser248=)

Gene: CCNB3 (cyclin B3; plus strand). Cytogenetic location: Xp11.22.
Variant type: single nucleotide variant.
Coding change: c.744G>A on transcript NM_033031.3 (MANE Select); coding-DNA position 744, G replaced by A.
Protein change: p.Ser248=; no amino-acid change (serine 248 retained).
Molecular consequence: synonymous variant. On other transcripts: intron variant (1).
Genome position (GRCh38, 1-based): chrX:50,308,913, G>A. VCF-style: chrX-50308913-G-A. GRCh37 (hg19) VCF-style: chrX-50051913-G-A.
Other names: c.204+20026G>A (NM_033670.4).
Identifiers: ClinVar variation 2660543 (VCV002660543.24), dbSNP rs375491454, ClinGen allele CA10414534.

ClinVar aggregate classification (germline): Likely benign (1 of 4 stars; one submission).

Allele frequency attached by ClinVar (database versions not stated): gnomAD 0.00004; gnomAD exomes 0.00005; ExAC 0.00006; TOPMed 0.00006; ESP Exome Variant Server 0.00019; 1000 Genomes Project 30x 0.00042.
gnomAD v4.1: 63 of 1,209,632 alleles (0.0052%); highest among the groups gnomAD compares: South Asian, 0.03%; no homozygotes.

Submission:

CeGaT Center for Human Genetics Tuebingen
Classification: Likely benign. Last evaluated: 2022-04-01. Review status: criteria provided, single submitter. Criteria: CeGaT Center For Human Genetics Tuebingen Variant Classification Criteria Version 2. Collection method: clinical testing. Allele origin: germline. Affected: yes. Observed: 1 variant allele.
Comment: CCNB3: BP4, BP7